The following is an entry in ClinVar:

ClinVar aggregate classification (germline): Likely benign (0 of 4 stars; one submission).

Conditions:
KRAS-related disorder. Also called: KRAS-related condition; KRAS-related disorders.

Allele frequency attached by ClinVar (database versions not stated): gnomAD 0.00005; 1000 Genomes Project 30x 0.00016; 1000 Genomes Project 0.00020.
gnomAD v4.1: 14 of 246,040 alleles (0.0057%); highest among the groups gnomAD compares: Non-Finnish European, 0.0077%; no homozygotes.

Submission:

PreventionGenetics, part of Exact Sciences
Classification: Likely benign for KRAS-related condition. Last evaluated: 2023-10-12. Review status: no assertion criteria provided. Collection method: clinical testing. Allele origin: germline.
Comment: This variant is classified as likely benign based on ACMG/AMP sequence variant interpretation guidelines (Richards et al. 2015 PMID: 25741868, with internal and published modifications).

NM_004985.5(KRAS):c.-167A>C

Genes: KRAS (KRAS proto-oncogene, GTPase; minus strand), LOC130007561 (ATAC-STARR-seq lymphoblastoid silent region 4294; plus strand). Cytogenetic location: 12p12.1.
Variant type: single nucleotide variant.
Coding change: c.-167A>C on transcript NM_004985.5 (MANE Select); 167 bases upstream of the start codon, A replaced by C.
Molecular consequence: 5 prime UTR variant.
Genome position (GRCh38, 1-based): chr12:25,250,906, T>G on the plus strand (A>C on the coding strand, the complement: KRAS is on the minus strand). VCF-style: chr12-25250906-T-G. GRCh37 (hg19) VCF-style: chr12-25403840-T-G.
Other names: c.-154A>C (NM_001369786.1, NM_001369787.1); c.-167A>C (NM_033360.4).
Identifiers: ClinVar variation 3061523 (VCV003061523.2), dbSNP rs527326817, ClinGen allele CA234240134.